The following is an entry in ClinVar:

ClinVar aggregate classification (germline): Pathogenic. Review status: criteria provided, multiple submitters, no conflicts (2 of 4 stars). 3 submissions from 3 submitters: Pathogenic (2). 1 of the submissions does not count toward it. Last evaluated 2022-12-31.

Conditions:
Early-infantile DEE. Also called: Early infantile epileptic encephalopathy; Early infantile epileptic encephalopathy with suppression bursts; Ohtahara syndrome. Identifiers: Orphanet 1934, MedGen C0393706, MONDO:0800491.
Severe myoclonic epilepsy in infancy (DRVT). Also called: SEVERE MYOCLONIC EPILEPSY OF INFANCY; DEVELOPMENTAL AND EPILEPTIC ENCEPHALOPATHY 6A; Severe Myoclonic Epilepsy in Infancy (SMEI); Dravet syndrome; Epileptic encephalopathy, early infantile, 6 (Dravet syndrome). Identifiers: Orphanet 33069, MedGen C0751122, MONDO:0100135, OMIM 607208.

Submissions (3):

Labcorp Genetics (formerly Invitae), Labcorp
Classification: Pathogenic for Early-infantile DEE. Last evaluated: 2022-12-31. Review status: criteria provided, single submitter. Criteria: Invitae Variant Classification Sherloc (09022015). Collection method: clinical testing. Allele origin: germline.
Comment: For these reasons, this variant has been classified as Pathogenic. Advanced modeling of protein sequence and biophysical properties (such as structural, functional, and spatial information, amino acid conservation, physicochemical variation, residue mobility, and thermodynamic stability) performed at Invitae indicates that this missense variant is expected to disrupt SCN1A protein function. ClinVar contains an entry for this variant (Variation ID: 68583). This missense change has been observed in individual(s) with Dravet syndrome (PMID: 12821740, 30185235). In at least one individual the variant was observed to be de novo. This variant is not present in population databases (gnomAD no frequency). This sequence change replaces tryptophan, which is neutral and slightly polar, with arginine, which is basic and polar, at codon 280 of the SCN1A protein (p.Trp280Arg).

Center for Bioinformatics, Peking University
Classification: Pathogenic for Dravet syndrome. Last evaluated: 2014-12-20. Review status: criteria provided, single submitter. Criteria: Xu et al. (Hum Mutat. 2015). Collection method: research. Allele origin: de novo. Affected: yes. Observed: 1 variant allele. Study: University Clinical Cooperation “985 Project” PKU-2014-1-1.
Comment: Dravet syndrome (DS) probands were recruited from the outpatient and inpatient child neurology units of Peking University First Hospital from 2005 till present. The study was approved by the Ethics Committee of Peking University First Hospital and the Institutional Review Board at Peking University. Participants or their parents provided written informed consent before enrollment. We collected a total of 267 mutations from 255 families with probands diagnosed with DS in China. All probands fulfilled the clinical diagnostic criteria.

UniProtKB/Swiss-Prot
No classification provided. Condition: Severe myoclonic epilepsy in infancy. Review status: no classification provided. Collection method: not provided. Allele origin: unknown. Not counted in ClinVar's aggregate classification.

Literature cited by the submitters: PubMed 12821740 (cited by Labcorp Genetics (formerly Invitae), Labcorp); PubMed 30185235 (cited by Labcorp Genetics (formerly Invitae), Labcorp).

NM_001165963.4(SCN1A):c.838T>C (p.Trp280Arg)

Gene: SCN1A (sodium voltage-gated channel alpha subunit 1; minus strand). Cytogenetic location: 2q24.3.
Variant type: single nucleotide variant.
Coding change: c.838T>C on transcript NM_001165963.4 (MANE Select); coding-DNA position 838, T replaced by C.
Protein change: p.Trp280Arg; replaces tryptophan 280 with arginine.
Molecular consequence: missense variant. On other transcripts: 5 prime UTR variant (1), non-coding transcript variant (1).
Genome position (GRCh38, 1-based): chr2:166,051,845, A>G on the plus strand (T>C on the coding strand, the complement: SCN1A is on the minus strand). VCF-style: chr2-166051845-A-G. GRCh37 (hg19) VCF-style: chr2-166908355-A-G.
Other names: c.838T>C, p.Trp280Arg (NM_001165964.3, NM_001202435.3, NM_001353948.2 and 10 more transcripts); c.-1588T>C (NM_001353961.2); short protein forms W280R.
Identifiers: ClinVar variation 68583 (VCV000068583.4), dbSNP rs121917938, ClinGen allele CA285054.